The following is an entry in ClinVar:

NM_014365.3(HSPB8):c.140C>G (p.Ser47Cys)

Gene: HSPB8 (heat shock protein family B (small) member 8; plus strand). Cytogenetic location: 12q24.23.
Variant type: single nucleotide variant.
Coding change: c.140C>G on transcript NM_014365.3 (MANE Select); coding-DNA position 140, C replaced by G.
Protein change: p.Ser47Cys; replaces serine 47 with cysteine.
Molecular consequence: missense variant.
Genome position (GRCh38, 1-based): chr12:119,179,452, C>G. VCF-style: chr12-119179452-C-G. GRCh37 (hg19) VCF-style: chr12-119617257-C-G.
Other names: short protein forms S47C.
Identifiers: ClinVar variation 811267 (VCV000811267.17), dbSNP rs1183371665, ClinGen allele CA386524493.

ClinVar aggregate classification (germline): Uncertain significance. Review status: criteria provided, multiple submitters, no conflicts (2 of 4 stars). 2 submissions from 2 submitters: Uncertain significance (2). Last evaluated 2025-07-29.

Conditions:
Charcot-Marie-Tooth disease axonal type 2L. Also called: CHARCOT-MARIE-TOOTH DISEASE, AXONAL, AUTOSOMAL DOMINANT, TYPE 2L; CHARCOT-MARIE-TOOTH NEUROPATHY, AXONAL, TYPE 2L; Charcot-Marie-Tooth Neuropathy Type 2L. Identifiers: Orphanet 99945, MedGen C1837552, MONDO:0012096, OMIM 608673.

Allele frequency attached by ClinVar (database versions not stated): gnomAD exomes below 0.00001 and 0.00001; gnomAD 0.00001.

Submissions (2):

Labcorp Genetics (formerly Invitae), Labcorp
Classification: Uncertain significance for Charcot-Marie-Tooth disease axonal type 2L. Last evaluated: 2025-07-29. Review status: criteria provided, single submitter. Criteria: Invitae Variant Classification Sherloc (09022015). Collection method: clinical testing. Allele origin: germline.
Comment: This sequence change replaces serine, which is neutral and polar, with cysteine, which is neutral and slightly polar, at codon 47 of the HSPB8 protein (p.Ser47Cys). This variant is present in population databases (no rsID available, gnomAD 0.002%). This variant has not been reported in the literature in individuals affected with HSPB8-related conditions. ClinVar contains an entry for this variant (Variation ID: 811267). An algorithm developed to predict the effect of missense changes on protein structure and function (PolyPhen-2) suggests that this variant is likely to be tolerated. In summary, the available evidence is currently insufficient to determine the role of this variant in disease. Therefore, it has been classified as a Variant of Uncertain Significance.

ARUP Laboratories, Molecular Genetics and Genomics, ARUP Laboratories
Classification: Uncertain significance. Last evaluated: 2019-02-18. Review status: criteria provided, single submitter. Criteria: ARUP Molecular Germline Variant Investigation Process. Collection method: clinical testing. Allele origin: germline.
Comment: The HSPB8 c.140C>G; p.Ser47Cys variant (rs1183371665), to our knowledge, is not reported in the medical literature or gene specific databases. This variant is found on 2 out of 277,102 chromosomes in the Genome Aggregation Database indicating it is not a common polymorphism. The serine at codon 47 is weakly conserved and computational analyses (SIFT, PolyPhen-2) predict that this variant is tolerated. Due to limited information, the clinical significance of the p.Ser47Cys variant is uncertain at this time.